The following is an entry in ClinVar:

ClinVar aggregate classification (germline): Likely pathogenic (1 of 4 stars; one submission).

Conditions:
Kabuki syndrome 1 (KABUK1). Also called: KMT2D-Related Kabuki Syndrome. Identifiers: Orphanet 2322, MedGen CN030661, MONDO:0007843, OMIM 147920.

Submission:

Neuberg Centre For Genomic Medicine, NCGM
Classification: Likely pathogenic for Kabuki syndrome 1. Review status: criteria provided, single submitter. Criteria: ACMG Guidelines, 2015. Collection method: clinical testing. Allele origin: germline. Inheritance: Autosomal dominant inheritance. Affected: yes.
Comment: The stop gained c.3220G>T (p.Glu1074Ter) variant in KMT2D gene has not been reported previously as a pathogenic variant nor as a benign variant, to our knowledge. This variant has not been reported to the ClinVar database. The p.Glu1074Ter variant is novel (not in any individuals) in gnomAD Exomes and is novel (not in any individuals) in 1000 Genomes. The nucleotide change c.3220G>T in KMT2D is predicted as conserved by GERP++ and PhyloP across 100 vertebrates. This variant is predicted to cause loss of normal protein function through protein truncation. Loss of function variants have been previously reported to be disease causing. Hence the variant is classified as Likely Pathogenic.

NM_003482.4(KMT2D):c.3220G>T (p.Glu1074Ter)

Gene: KMT2D (lysine methyltransferase 2D; minus strand). Cytogenetic location: 12q13.12.
Variant type: single nucleotide variant.
Coding change: c.3220G>T on transcript NM_003482.4 (MANE Select); coding-DNA position 3220, G replaced by T.
Protein change: p.Glu1074Ter; replaces glutamic acid 1074 with a stop codon.
Molecular consequence: nonsense.
Genome position (GRCh38, 1-based): chr12:49,050,368, C>A on the plus strand (G>T on the coding strand, the complement: KMT2D is on the minus strand). VCF-style: chr12-49050368-C-A. GRCh37 (hg19) VCF-style: chr12-49444151-C-A.
Other names: short protein forms E1074*.
Identifiers: ClinVar variation 2585601 (VCV002585601.1), dbSNP rs2120649411, ClinGen allele CA384658554.